The following is an entry in ClinVar:

NM_007294.4(BRCA1):c.2601G>A (p.Gln867=)

Gene: BRCA1 (BRCA1 DNA repair associated; minus strand). Cytogenetic location: 17q21.31.
Variant type: single nucleotide variant.
Coding change: c.2601G>A on transcript NM_007294.4 (MANE Select); coding-DNA position 2601, G replaced by A.
Protein change: p.Gln867=; no amino-acid change (glutamine 867 retained).
Molecular consequence: synonymous variant. On other transcripts: intron variant (137).
Genome position (GRCh38, 1-based): chr17:43,092,930, C>T on the plus strand (G>A on the coding strand, the complement: BRCA1 is on the minus strand). VCF-style: chr17-43092930-C-T. GRCh37 (hg19) VCF-style: chr17-41244947-C-T.
Other names: c.2388G>A, p.Gln796= (NM_001407571.1, NM_001407853.1, NM_001407894.1 and 9 more transcripts); c.2601G>A, p.Gln867= (NM_001407581.1, NM_001407582.1, NM_001407583.1 and 30 more transcripts); c.2598G>A, p.Gln866= (NM_001407587.1, NM_001407590.1, NM_001407591.1 and 22 more transcripts); c.664+1814G>A (NM_001408443.1, NM_001408439.1, NM_001408425.1 and 12 more transcripts); c.671-1898G>A (NM_001408419.1, NM_001408422.1, NM_001408418.1 and 2 more transcripts); c.787+1814G>A (NM_001408403.1, NM_001407983.1, NM_001407975.1 and 17 more transcripts); c.790+1811G>A (NM_001408406.1); c.646+1814G>A (NM_001408456.1, NM_001408410.1, NM_001408458.1 and 11 more transcripts); and 41 more.
Identifiers: ClinVar variation 231446 (VCV000231446.8), dbSNP rs876659166, ClinGen allele CA10580610.

ClinVar aggregate classification (germline): Likely benign. Review status: reviewed by expert panel (3 of 4 stars). 2 submissions from 2 submitters: Likely benign (1). 1 of the submissions does not count toward it. Last evaluated 2017-06-29.

Conditions:
Breast-ovarian cancer, familial, susceptibility to, 1 (BROVCA1). Also called: BRCA1 Hereditary Breast and Ovarian Cancer; OVARIAN CANCER, SUSCEPTIBILITY TO. Identifiers: Orphanet 145, MedGen C2676676, MONDO:0011450, OMIM 604370. Disease mechanism: loss of function.
Hereditary cancer-predisposing syndrome. Also called: Tumor predisposition; Hereditary Cancer Syndrome; Neoplastic Syndromes, Hereditary; Hereditary neoplastic syndrome. Identifiers: Orphanet 140162, MedGen C0027672, MeSH D009386, MONDO:0015356.

Submissions (2):

Evidence-based Network for the Interpretation of Germline Mutant Alleles (ENIGMA)
Classification: Likely benign for Breast-ovarian cancer, familial, susceptibility to, 1. Last evaluated: 2017-06-29. Review status: reviewed by expert panel. Criteria: ENIGMA BRCA1/2 Classification Criteria (2017-06-29). Collection method: curation. Allele origin: germline.
Comment: Synonymous substitution variant, with low bioinformatic likelihood to result in a splicing aberration (Splicing prior probability 0.02).

Ambry Genetics
Classification: Likely benign for Hereditary cancer-predisposing syndrome. Last evaluated: 2015-04-20. Review status: criteria provided, single submitter. Criteria: Ambry Variant Classification Scheme 2023. Collection method: clinical testing. Allele origin: germline. Not counted in ClinVar's aggregate classification.